The following is an entry in ClinVar:

NM_001114753.3(ENG):c.219+23G>A

Gene: ENG (endoglin; minus strand). Cytogenetic location: 9q34.11.
Variant type: single nucleotide variant.
Coding change: c.219+23G>A on transcript NM_001114753.3 (MANE Select); 23 bases into the intron after coding-DNA position 219, G replaced by A.
Molecular consequence: intron variant.
Genome position (GRCh38, 1-based): chr9:127,843,071, C>T on the plus strand (G>A on the coding strand, the complement: ENG is on the minus strand). VCF-style: chr9-127843071-C-T. GRCh37 (hg19) VCF-style: chr9-130605350-C-T.
Other names: c.219+23G>A (NM_000118.4, NM_001406715.1); c.-328+23G>A (NM_001278138.2).
Identifiers: ClinVar variation 812071 (VCV000812071.40), dbSNP rs200726108, ClinGen allele CA5253203.

ClinVar aggregate classification (germline): Conflicting classifications of pathogenicity. Review status: criteria provided, conflicting classifications (1 of 4 stars). 2 submissions from 2 submitters: Uncertain significance (1); Benign (1). Last evaluated 2024-12-01.

Conditions:
Telangiectasia, hereditary hemorrhagic, type 1 (HHT1). Also called: Osler Weber Rendu syndrome type 1; ENG-Related Hereditary Hemorrhagic Telangiectasia. Identifiers: Orphanet 774, MedGen C4551861, MONDO:0008535, OMIM 187300. Disease mechanism: loss of function.

Allele frequency attached by ClinVar (database versions not stated): TOPMed 0.00013; 1000 Genomes Project 30x 0.00031; gnomAD 0.00036 and 0.00037; 1000 Genomes Project 0.00040; gnomAD exomes 0.00057.

Submissions (3):

CeGaT Center for Human Genetics Tuebingen
Classification: Benign. Last evaluated: 2024-12-01. Review status: criteria provided, single submitter. Criteria: CeGaT Center For Human Genetics Tuebingen Variant Classification Criteria Version 2. Collection method: clinical testing. Allele origin: germline. Affected: yes. Observed: 3 variant alleles.
Comment: ENG: BS1, BS2

ARUP Laboratories, Molecular Genetics and Genomics, ARUP Laboratories
Classification: Uncertain significance for Telangiectasia, hereditary hemorrhagic, type 1. Last evaluated: 2019-06-12. Review status: criteria provided, single submitter. Criteria: ARUP Molecular Germline Variant Investigation Process. Collection method: clinical testing. Allele origin: germline.
Comment: The ENG c.219+23G>A variant (rs200726108), to our knowledge, is not reported in the medical literature or gene-specific databases. This variant is found in the Finnish European population with an overall allele frequency of 0.30% (74/25078 alleles) in the Genome Aggregation Database. This is an intronic variant in a weakly conserved nucleotide, but computational analyses (Alamut v.2.11) predict that this variant may impact splicing by creating a novel cryptic donor splice site. However, functional analyses would be required to confirm an effect on splicing. Due to limited information, the clinical significance of the c.219+23G>A variant is uncertain at this time.

Dr. Peter K. Rogan Lab, Western University
No classification provided (evidence only). Condition: Ovarian serous cystadenocarcinoma. Review status: no classification provided. Collection method: in vitro. Allele origin: not applicable. Functional consequence: retained intron. Not counted in ClinVar's aggregate classification.